The following is an entry in ClinVar:

NM_014362.4(HIBCH):c.253A>T (p.Ile85Phe)

Gene: HIBCH (3-hydroxyisobutyryl-CoA hydrolase; minus strand). Cytogenetic location: 2q32.2.
Variant type: single nucleotide variant.
Coding change: c.253A>T on transcript NM_014362.4 (MANE Select); coding-DNA position 253, A replaced by T.
Protein change: p.Ile85Phe; replaces isoleucine 85 with phenylalanine.
Molecular consequence: missense variant.
Genome position (GRCh38, 1-based): chr2:190,294,597, T>A on the plus strand (A>T on the coding strand, the complement: HIBCH is on the minus strand). VCF-style: chr2-190294597-T-A. GRCh37 (hg19) VCF-style: chr2-191159323-T-A.
Other names: c.253A>T, p.Ile85Phe (NM_198047.3); short protein forms I85F.
Identifiers: ClinVar variation 2094045 (VCV002094045.4), dbSNP rs1430906931, ClinGen allele CA349896307.

ClinVar aggregate classification (germline): Uncertain significance (1 of 4 stars; one submission).

Conditions:
3-hydroxyisobutyryl-CoA hydrolase deficiency. Also called: Reduced circulating 3-hydroxyisobutyryl-CoA hydrolase activity; Deficiency of 3-hydroxyisobutyryl CoA hydrolase; HIBCH DEFICIENCY; METHACRYLIC ACID TOXICITY; METHACRYLIC ACIDURIA; VALINE METABOLIC DEFECT. Identifiers: Orphanet 88639, MedGen C0342738, MONDO:0009603, OMIM 250620, HP:6000215.

gnomAD v4.1: 3 of 1,612,748 alleles (0.00019%); highest among the groups gnomAD compares: Non-Finnish European, 0.00025%; no homozygotes.

Submission:

Labcorp Genetics (formerly Invitae), Labcorp
Classification: Uncertain significance for 3-hydroxyisobutyryl-CoA hydrolase deficiency. Last evaluated: 2022-09-01. Review status: criteria provided, single submitter. Criteria: Invitae Variant Classification Sherloc (09022015). Collection method: clinical testing. Allele origin: germline.
Comment: This variant is not present in population databases (gnomAD no frequency). This sequence change replaces isoleucine, which is neutral and non-polar, with phenylalanine, which is neutral and non-polar, at codon 85 of the HIBCH protein (p.Ile85Phe). In summary, the available evidence is currently insufficient to determine the role of this variant in disease. Therefore, it has been classified as a Variant of Uncertain Significance. Advanced modeling of protein sequence and biophysical properties (such as structural, functional, and spatial information, amino acid conservation, physicochemical variation, residue mobility, and thermodynamic stability) performed at Invitae indicates that this missense variant is expected to disrupt HIBCH protein function. This variant has not been reported in the literature in individuals affected with HIBCH-related conditions.